The following is an entry in ClinVar:

ClinVar aggregate classification (germline): Uncertain significance (1 of 4 stars; one submission).

Conditions:
STT3B-congenital disorder of glycosylation. Also called: STT3B-CDG; CDG Ix; Congenital disorder of glycosylation type 1x. Identifiers: Orphanet 370924, MedGen C2931007, MONDO:0014271, OMIM 615597.

Submission:

Labcorp Genetics (formerly Invitae), Labcorp
Classification: Uncertain significance for STT3B-congenital disorder of glycosylation. Last evaluated: 2024-08-23. Review status: criteria provided, single submitter. Criteria: Invitae Variant Classification Sherloc (09022015). Collection method: clinical testing. Allele origin: germline.
Comment: This sequence change replaces glutamic acid, which is acidic and polar, with aspartic acid, which is acidic and polar, at codon 529 of the STT3B protein (p.Glu529Asp). This variant is not present in population databases (gnomAD no frequency). This variant has not been reported in the literature in individuals affected with STT3B-related conditions. An algorithm developed to predict the effect of missense changes on protein structure and function (PolyPhen-2) suggests that this variant is likely to be tolerated. In summary, the available evidence is currently insufficient to determine the role of this variant in disease. Therefore, it has been classified as a Variant of Uncertain Significance.

NM_178862.3(STT3B):c.1587G>C (p.Glu529Asp)

Gene: STT3B (STT3 oligosaccharyltransferase complex catalytic subunit B; plus strand). Cytogenetic location: 3p23.
Variant type: single nucleotide variant.
Coding change: c.1587G>C on transcript NM_178862.3 (MANE Select); coding-DNA position 1587, G replaced by C.
Protein change: p.Glu529Asp; replaces glutamic acid 529 with aspartic acid.
Molecular consequence: missense variant.
Genome position (GRCh38, 1-based): chr3:31,623,721, G>C. VCF-style: chr3-31623721-G-C. GRCh37 (hg19) VCF-style: chr3-31665213-G-C.
Other names: short protein forms E529D.
Identifiers: ClinVar variation 3691859 (VCV003691859.2).